The following is an entry in ClinVar:

NM_001004356.3(FGFRL1):c.820G>A (p.Val274Met)

Gene: FGFRL1 (fibroblast growth factor receptor like 1; plus strand). Cytogenetic location: 4p16.3.
Variant type: single nucleotide variant.
Coding change: c.820G>A on transcript NM_001004356.3 (MANE Select); coding-DNA position 820, G replaced by A.
Protein change: p.Val274Met; replaces valine 274 with methionine.
Molecular consequence: missense variant.
Genome position (GRCh38, 1-based): chr4:1,024,412, G>A. VCF-style: chr4-1024412-G-A. GRCh37 (hg19) VCF-style: chr4-1018200-G-A.
Other names: c.820G>A, p.Val274Met (NM_001004358.1, NM_001370296.1, NM_021923.3); short protein forms V274M.
Identifiers: ClinVar variation 3624166 (VCV003624166.2).

ClinVar aggregate classification (germline): Uncertain significance (1 of 4 stars; one submission).

gnomAD v4.1: 21 of 1,612,490 alleles (0.0013%); highest among the groups gnomAD compares: Admixed American, 0.0033%; no homozygotes.

Submission:

Labcorp Genetics (formerly Invitae), Labcorp
Classification: Uncertain significance. Last evaluated: 2024-11-19. Review status: criteria provided, single submitter. Criteria: Invitae Variant Classification Sherloc (09022015). Collection method: clinical testing. Allele origin: germline.
Comment: This sequence change replaces valine, which is neutral and non-polar, with methionine, which is neutral and non-polar, at codon 274 of the FGFRL1 protein (p.Val274Met). This variant is present in population databases (rs754703776, gnomAD 0.003%). This variant has not been reported in the literature in individuals affected with FGFRL1-related conditions. An algorithm developed to predict the effect of missense changes on protein structure and function (PolyPhen-2) suggests that this variant is likely to be disruptive. In summary, the available evidence is currently insufficient to determine the role of this variant in disease. Therefore, it has been classified as a Variant of Uncertain Significance.